The following is an entry in ClinVar:

NM_000492.4(CFTR):c.913T>G (p.Phe305Val)

Gene: CFTR (CF transmembrane conductance regulator; plus strand). Cytogenetic location: 7q31.2.
Variant type: single nucleotide variant.
Coding change: c.913T>G on transcript NM_000492.4 (MANE Select); coding-DNA position 913, T replaced by G.
Protein change: p.Phe305Val; replaces phenylalanine 305 with valine.
Molecular consequence: missense variant.
Genome position (GRCh38, 1-based): chr7:117,540,143, T>G. VCF-style: chr7-117540143-T-G. GRCh37 (hg19) VCF-style: chr7-117180197-T-G.
Other names: short protein forms F305V.
Identifiers: ClinVar variation 54084 (VCV000054084.4), dbSNP rs201885470, ClinGen allele CA327689.

ClinVar aggregate classification (germline): Uncertain significance. Review status: criteria provided, single submitter (1 of 4 stars). 3 submissions from 3 submitters: Uncertain significance (1). 2 of the submissions do not count toward it. Last evaluated 2024-06-30.

Conditions:
Cystic fibrosis (CF). Also called: MUCOVISCIDOSIS. Identifiers: Orphanet 586, MedGen C0010674, MONDO:0009061, OMIM 219700. Disease mechanism: loss of function.

Allele frequency attached by ClinVar (database versions not stated): gnomAD exomes below 0.00001; gnomAD 0.00001.
gnomAD v4.1: 2 of 1,613,474 alleles (0.00012%); highest among the groups gnomAD compares: Non-Finnish European, 0.00017%; no homozygotes.

Submissions (3):

Labcorp Genetics (formerly Invitae), Labcorp
Classification: Uncertain significance for Cystic fibrosis. Last evaluated: 2024-06-30. Review status: criteria provided, single submitter. Criteria: Invitae Variant Classification Sherloc (09022015). Collection method: clinical testing. Allele origin: germline.
Comment: This sequence change replaces phenylalanine, which is neutral and non-polar, with valine, which is neutral and non-polar, at codon 305 of the CFTR protein (p.Phe305Val). This variant is present in population databases (rs201885470, gnomAD 0.0009%). This variant has not been reported in the literature in individuals affected with CFTR-related conditions. ClinVar contains an entry for this variant (Variation ID: 54084). Advanced modeling of protein sequence and biophysical properties (such as structural, functional, and spatial information, amino acid conservation, physicochemical variation, residue mobility, and thermodynamic stability) performed at Invitae indicates that this missense variant is not expected to disrupt CFTR protein function with a negative predictive value of 80%. In summary, the available evidence is currently insufficient to determine the role of this variant in disease. Therefore, it has been classified as a Variant of Uncertain Significance.

Counsyl
Classification: Uncertain significance for Cystic fibrosis. Last evaluated: 2017-05-26. Review status: no assertion criteria provided. Collection method: clinical testing. Allele origin: unknown. Not counted in ClinVar's aggregate classification.

ClinVar Staff, National Center for Biotechnology Information (NCBI)
No classification provided. Condition: CFTR-related disorders. Review status: no classification provided. Collection method: literature only. Allele origin: germline. Affected: yes. Not counted in ClinVar's aggregate classification.

Literature cited by the submitters: PubMed 22326559 (cited by Counsyl); PubMed 19810821 (cited by ClinVar Staff, National Center for Biotechnology Information (NCBI)).